The following is an entry in ClinVar:

ClinVar aggregate classification (germline): Conflicting classifications of pathogenicity. Review status: criteria provided, conflicting classifications (1 of 4 stars). 5 submissions from 4 submitters: Uncertain significance (3); Likely benign (2). Last evaluated 2025-08-08.

Conditions:
Schwartz-Jampel syndrome. Also called: Myotonic myopathy dwarfism chondrodystrophy and ocular and facial abnormalities. Identifiers: Orphanet 800, MedGen C0036391, MONDO:0009717.
Lethal Kniest-like syndrome (DDSH). Also called: Dyssegmental Dysplasia. Identifiers: Orphanet 1865, MedGen C1857100, MONDO:0009140, OMIM 224410.

Allele frequency attached by ClinVar (database versions not stated): gnomAD 0.00001 and 0.00003; TOPMed 0.00002; ExAC 0.00004; gnomAD exomes 0.00004 and 0.00006; 1000 Genomes Project 30x 0.00016; 1000 Genomes Project 0.00020.
gnomAD v4.1: 62 of 1,613,576 alleles (0.0038%); highest among the groups gnomAD compares: South Asian, 0.034%; no homozygotes.

Submissions (5):

Athena Diagnostics
Classification: Likely benign. Last evaluated: 2025-08-08. Review status: criteria provided, single submitter. Criteria: Athena Diagnostics Criteria. Collection method: clinical testing. Allele origin: unknown.
Comment: Computational tools yielded predictions that this variant is unlikely to have an effect on normal RNA splicing. This nucleotide position exhibits low evolutionary conservation.

Labcorp Genetics (formerly Invitae), Labcorp
Classification: Likely benign. Last evaluated: 2025-05-12. Review status: criteria provided, single submitter. Criteria: Invitae Variant Classification Sherloc (09022015). Collection method: clinical testing. Allele origin: germline.

Illumina Laboratory Services, Illumina
Classification: Uncertain significance for Schwartz-Jampel syndrome type 1. Last evaluated: 2018-01-12. Review status: criteria provided, single submitter. Criteria: ICSL Variant Classification Criteria 13 December 2019. Collection method: clinical testing. Allele origin: germline.

Illumina Laboratory Services, Illumina
Classification: Uncertain significance for Lethal Kniest-like syndrome. Last evaluated: 2018-01-12. Review status: criteria provided, single submitter. Criteria: ICSL Variant Classification Criteria 13 December 2019. Collection method: clinical testing. Allele origin: germline.

Eurofins Ntd Llc (ga)
Classification: Uncertain significance. Last evaluated: 2016-09-23. Review status: criteria provided, single submitter. Criteria: EGL Classification Definitions 2015. Collection method: clinical testing. Allele origin: germline. Observed: 1 variant allele, 1 heterozygote.

NM_005529.7(HSPG2):c.2664C>T (p.Ser888=)

Gene: HSPG2 (heparan sulfate proteoglycan 2; minus strand). Cytogenetic location: 1p36.12.
Variant type: single nucleotide variant.
Coding change: c.2664C>T on transcript NM_005529.7 (MANE Select); coding-DNA position 2664, C replaced by T.
Protein change: p.Ser888=; no amino-acid change (serine 888 retained).
Molecular consequence: synonymous variant.
Genome position (GRCh38, 1-based): chr1:21,878,207, G>A on the plus strand (C>T on the coding strand, the complement: HSPG2 is on the minus strand). VCF-style: chr1-21878207-G-A. GRCh37 (hg19) VCF-style: chr1-22204700-G-A.
Other names: c.2664C>T (NM_005529.6); c.2667C>T, p.Ser889= (NM_001291860.2).
Identifiers: ClinVar variation 291036 (VCV000291036.14), dbSNP rs560919408, ClinGen allele CA672928.
Genomic context (GRCh38, chr1:21,878,207, plus strand): 5'-GCCCAAGGCCCCTGGGTGGGTGGCAGATGGCACGCGTACCTTACAGCGGCAGGCCTCCCC[G>A]GAGGTCCCCATGCTGCCACGCTCGTCACAGCGCACAATCTCCTGGTCTGGGACACAAAAC-3'
Protein context (NP_005520.4, residues 878-898): RCDERGSMGT[Ser888=]GEACRCKNNV